The following is an entry in ClinVar:

ClinVar aggregate classification (germline): Benign/Likely benign. Review status: criteria provided, multiple submitters, no conflicts (2 of 4 stars). 5 submissions from 5 submitters: Benign (2); Likely benign (3). Last evaluated 2025-03-05.

Conditions:
Cardiovascular phenotype. Identifiers: MedGen CN230736.
Long QT syndrome (LQTS). Identifiers: MedGen C0023976, MeSH D008133, MONDO:0002442. Disease mechanism: loss of function. Inheritance: Various modes of inheritance.
Cardiac arrhythmia, ankyrin-B-related. Also called: ANKYRIN-B SYNDROME. Identifiers: Orphanet 101016, Orphanet 768, MedGen C1970119, MONDO:0010958, OMIM 600919.

Allele frequency attached by ClinVar (database versions not stated): gnomAD exomes 0.00002 and 0.00023; gnomAD 0.00006 and 0.00007; TOPMed 0.00009; 1000 Genomes Project 30x 0.00016; 1000 Genomes Project 0.00020; ExAC 0.00020.
gnomAD v4.1: 52 of 1,614,114 alleles (0.0032%); highest among the groups gnomAD compares: East Asian, 0.098%; no homozygotes.

Submissions (5):

Labcorp Genetics (formerly Invitae), Labcorp
Classification: Benign for Long QT syndrome. Last evaluated: 2025-03-05. Review status: criteria provided, single submitter. Criteria: Invitae Variant Classification Sherloc (09022015). Collection method: clinical testing. Allele origin: germline.

Blueprint Genetics
Classification: Likely benign. Last evaluated: 2023-04-17. Review status: criteria provided, single submitter. Criteria: ACMG Guidelines, 2015. Collection method: clinical testing. Allele origin: germline.

Ambry Genetics
Classification: Likely benign for Cardiovascular phenotype. Last evaluated: 2022-09-28. Review status: criteria provided, single submitter. Criteria: Ambry Variant Classification Scheme 2023. Collection method: clinical testing. Allele origin: germline.

Genome-Nilou Lab
Classification: Benign for Cardiac arrhythmia, ankyrin-B-related. Last evaluated: 2021-12-05. Review status: criteria provided, single submitter. Criteria: ACMG Guidelines, 2015. Collection method: clinical testing. Allele origin: germline. Affected: no.

Illumina Laboratory Services, Illumina
Classification: Likely benign for Cardiac arrhythmia, ankyrin-B-related. Last evaluated: 2018-01-13. Review status: criteria provided, single submitter. Criteria: ICSL Variant Classification Criteria 13 December 2019. Collection method: clinical testing. Allele origin: germline.
Comment: This variant was observed in the ICSL laboratory as part of a predisposition screen in an ostensibly healthy population. It had not been previously curated by ICSL or reported in the Human Gene Mutation Database (HGMD: prior to June 1st, 2018), and was therefore a candidate for classification through an automated scoring system. Utilizing variant allele frequency, disease prevalence and penetrance estimates, and inheritance mode, an automated score was calculated to assess if this variant is too frequent to cause the disease. Based on the score and internal cut-off values, a variant classified as likely benign is not then subjected to further curation. The score for this variant resulted in a classification of likely benign for this disease.

NM_001148.6(ANK2):c.7932G>A (p.Glu2644=)

Genes: ANK2 (ankyrin 2; plus strand), LOC126807137 (CDK7 strongly-dependent group 2 enhancer GRCh37_chr4:114276560-114277759; plus strand). Cytogenetic location: 4q26.
Variant type: single nucleotide variant.
Coding change: c.7932G>A on transcript NM_001148.6 (MANE Select); coding-DNA position 7932, G replaced by A.
Protein change: p.Glu2644=; no amino-acid change (glutamic acid 2644 retained).
Molecular consequence: synonymous variant. On other transcripts: intron variant (68).
Genome position (GRCh38, 1-based): chr4:113,356,550, G>A. VCF-style: chr4-113356550-G-A. GRCh37 (hg19) VCF-style: chr4-114277706-G-A.
Other names: c.7698G>A, p.Glu2566= (NM_001386142.1); c.4332G>A, p.Glu1444= (NM_001386166.1); c.8073G>A, p.Glu2691= (NM_001386174.1); c.8049G>A, p.Glu2683= (NM_001386175.1); c.4412-4273G>A (NM_001386186.2, NM_001386148.2); c.4214-4273G>A (NM_001354269.3); c.4292-4273G>A (NM_001386187.2); c.4253-4273G>A (NM_001386147.1); and 35 more.
Identifiers: ClinVar variation 347333 (VCV000347333.18), dbSNP rs201645638, ClinGen allele CA3051678.
Genomic context (GRCh38, chr4:113,356,550, plus strand): 5'-TGACCCAGATGCTGACTGTTCAGTAGATGTGGATGAACCAAAACATACAGGCAGTGGGGA[G>A]GATGAAAGTGGTGTCCCTGTGTTAGTAACTTCGGAGAGCAGGAAGGTGTCTTCCTCCTCA-3'
Protein context (NP_001139.3, residues 2634-2654): VDEPKHTGSG[Glu2644=]DESGVPVLVT